The following is an entry in ClinVar:

ClinVar aggregate classification (germline): Uncertain significance (1 of 4 stars; one submission).

Submission:

Labcorp Genetics (formerly Invitae), Labcorp
Classification: Uncertain significance. Last evaluated: 2022-12-15. Review status: criteria provided, single submitter. Criteria: Invitae Variant Classification Sherloc (09022015). Collection method: clinical testing. Allele origin: germline.
Comment: This sequence change replaces tryptophan, which is neutral and slightly polar, with arginine, which is basic and polar, at codon 1624 of the POLE protein (p.Trp1624Arg). This variant is not present in population databases (gnomAD no frequency). This variant has not been reported in the literature in individuals affected with POLE-related conditions. Advanced modeling of protein sequence and biophysical properties (such as structural, functional, and spatial information, amino acid conservation, physicochemical variation, residue mobility, and thermodynamic stability) performed at Invitae indicates that this missense variant is expected to disrupt POLE protein function. In summary, the available evidence is currently insufficient to determine the role of this variant in disease. Therefore, it has been classified as a Variant of Uncertain Significance.

NM_006231.4(POLE):c.4870T>A (p.Trp1624Arg)

Gene: POLE (DNA polymerase epsilon, catalytic subunit; minus strand). Cytogenetic location: 12q24.33.
Variant type: single nucleotide variant.
Coding change: c.4870T>A on transcript NM_006231.4 (MANE Select); coding-DNA position 4870, T replaced by A.
Protein change: p.Trp1624Arg; replaces tryptophan 1624 with arginine.
Molecular consequence: missense variant.
Genome position (GRCh38, 1-based): chr12:132,642,588, A>T on the plus strand (T>A on the coding strand, the complement: POLE is on the minus strand). VCF-style: chr12-132642588-A-T. GRCh37 (hg19) VCF-style: chr12-133219174-A-T.
Other names: short protein forms W1624R.
Identifiers: ClinVar variation 2820883 (VCV002820883.3), dbSNP rs2541885766, ClinGen allele CA387378076.